The following is an entry in ClinVar:

ClinVar aggregate classification (germline): Likely benign (1 of 4 stars; one submission).

Allele frequency attached by ClinVar (database versions not stated): ExAC 0.00001; gnomAD exomes below 0.00001.
gnomAD v4.1: 29 of 1,614,242 alleles (0.0018%); highest among the groups gnomAD compares: Middle Eastern, 0.45%; 1 homozygote.

Submission:

Laboratory for Molecular Medicine, Mass General Brigham Personalized Medicine
Classification: Likely benign. Last evaluated: 2017-04-03. Review status: criteria provided, single submitter. Criteria: LMM Criteria. Collection method: clinical testing. Allele origin: germline. Observed: 1 variant allele.
Comment: p.Leu325Leu in exon 10 of HARS2: This variant is not expected to have clinical s ignificance because it does not alter an amino acid residue and is not located w ithin the splice consensus sequence. It has been identified in 1/16512 South Asi an chromosomes by the Exome Aggregation Consortium (ExAC; dbSNP rs756782773).

NM_012208.4(HARS2):c.975G>C (p.Leu325=)

Gene: HARS2 (histidyl-tRNA synthetase 2, mitochondrial; plus strand). Cytogenetic location: 5q31.3.
Variant type: single nucleotide variant.
Coding change: c.975G>C on transcript NM_012208.4 (MANE Select); coding-DNA position 975, G replaced by C.
Protein change: p.Leu325=; no amino-acid change (leucine 325 retained).
Molecular consequence: synonymous variant.
Genome position (GRCh38, 1-based): chr5:140,697,184, G>C. VCF-style: chr5-140697184-G-C. GRCh37 (hg19) VCF-style: chr5-140076769-G-C.
Other names: c.900G>C, p.Leu300= (NM_001278731.2); c.543G>C, p.Leu181= (NM_001278732.2); c.993G>C, p.Leu331= (NM_001363535.2); c.765G>C, p.Leu255= (NM_001363536.2).
Identifiers: ClinVar variation 517345 (VCV000517345.4), dbSNP rs756782773, ClinGen allele CA3444589.